The following is an entry in ClinVar:

ClinVar aggregate classification (germline): Uncertain significance (1 of 4 stars; one submission).

Conditions:
Fanconi anemia (FA). Also called: Fanconi's anemia. Identifiers: Orphanet 84, MedGen C0015625, MeSH D005199, MONDO:0019391.

Submission:

Labcorp Genetics (formerly Invitae), Labcorp
Classification: Uncertain significance for Fanconi anemia. Last evaluated: 2024-06-22. Review status: criteria provided, single submitter. Criteria: Invitae Variant Classification Sherloc (09022015). Collection method: clinical testing. Allele origin: germline.
Comment: This sequence change falls in intron 12 of the FANCG gene. It does not directly change the encoded amino acid sequence of the FANCG protein. This variant is not present in population databases (gnomAD no frequency). This variant has not been reported in the literature in individuals affected with FANCG-related conditions. Algorithms developed to predict the effect of sequence changes on RNA splicing suggest that this variant may disrupt the consensus splice site. In summary, the available evidence is currently insufficient to determine the role of this variant in disease. Therefore, it has been classified as a Variant of Uncertain Significance.

NM_004629.2(FANCG):c.1636+6_1636+16del

Gene: FANCG (FA complementation group G; minus strand). Cytogenetic location: 9p13.3.
Variant type: Deletion.
Coding change: c.1636+6_1636+16del on transcript NM_004629.2 (MANE Select); bases 6 to 16 of the intron after coding-DNA position 1636, 11 bases deleted (TATACTTGCAT).
Molecular consequence: intron variant.
Genome position (GRCh38, 1-based): chr9:35,074,911-35,074,921, ATGCAAGTATA deleted on the plus strand (TATACTTGCAT on the coding strand, the reverse complement: FANCG is on the minus strand). VCF-style (leftmost placement, unchanged base first): chr9-35074910-CATGCAAGTATA-C. GRCh37 (hg19) VCF-style: chr9-35074907-CATGCAAGTATA-C.
Identifiers: ClinVar variation 3714239 (VCV003714239.2).